The following is an entry in ClinVar:

NM_001999.4(FBN2):c.7847A>G (p.Asp2616Gly)

Gene: FBN2 (fibrillin 2; minus strand). Cytogenetic location: 5q23.3.
Variant type: single nucleotide variant.
Coding change: c.7847A>G on transcript NM_001999.4 (MANE Select); coding-DNA position 7847, A replaced by G.
Protein change: p.Asp2616Gly; replaces aspartic acid 2616 with glycine.
Molecular consequence: missense variant.
Genome position (GRCh38, 1-based): chr5:128,272,112, T>C on the plus strand (A>G on the coding strand, the complement: FBN2 is on the minus strand). VCF-style: chr5-128272112-T-C. GRCh37 (hg19) VCF-style: chr5-127607804-T-C.
Other names: short protein forms D2616G.
Identifiers: ClinVar variation 3849206 (VCV003849206.1).

ClinVar aggregate classification (germline): Uncertain significance (1 of 4 stars; one submission).

Conditions:
Familial thoracic aortic aneurysm and aortic dissection (TAAD). Also called: Thoracic aortic aneurysms and dissections. Identifiers: Orphanet 91387, MedGen C4707243, MONDO:0019625.

Submission:

Ambry Genetics
Classification: Uncertain significance for Familial thoracic aortic aneurysm and aortic dissection. Last evaluated: 2025-02-13. Review status: criteria provided, single submitter. Criteria: Ambry Variant Classification Scheme 2023. Collection method: clinical testing. Allele origin: germline.
Comment: The p.D2616G variant (also known as c.7847A>G), located in coding exon 62 of the FBN2 gene, results from an A to G substitution at nucleotide position 7847. The aspartic acid at codon 2616 is replaced by glycine, an amino acid with similar properties. This amino acid position is highly conserved in available vertebrate species. In addition, this alteration is predicted to be deleterious by in silico analysis. Based on the available evidence, the clinical significance of this variant remains unclear.